The following is an entry in ClinVar:

NM_000135.4(FANCA):c.3514G>A (p.Val1172Met)

Gene: FANCA (FA complementation group A; minus strand). Cytogenetic location: 16q24.3.
Variant type: single nucleotide variant.
Coding change: c.3514G>A on transcript NM_000135.4 (MANE Select); coding-DNA position 3514, G replaced by A.
Protein change: p.Val1172Met; replaces valine 1172 with methionine.
Molecular consequence: missense variant.
Genome position (GRCh38, 1-based): chr16:89,745,071, C>T on the plus strand (G>A on the coding strand, the complement: FANCA is on the minus strand). VCF-style: chr16-89745071-C-T. GRCh37 (hg19) VCF-style: chr16-89811479-C-T.
Other names: c.3514G>A, p.Val1172Met (NM_001286167.3); short protein forms V1172M.
Identifiers: ClinVar variation 4022290 (VCV004022290.1).

ClinVar aggregate classification (germline): Uncertain significance (1 of 4 stars; one submission).

Conditions:
Inborn genetic diseases. Identifiers: MedGen C0950123, MeSH D030342.

gnomAD v4.1: 6 of 1,601,098 alleles (0.00037%); highest among the groups gnomAD compares: South Asian, 0.0022%; no homozygotes.

Submission:

Ambry Genetics
Classification: Uncertain significance for Inborn genetic diseases. Last evaluated: 2025-05-20. Review status: criteria provided, single submitter. Criteria: Ambry Variant Classification Scheme 2023. Collection method: clinical testing. Allele origin: germline.
Comment: The p.V1172M variant (also known as c.3514G>A) is located in coding exon 36 of the FANCA gene. The valine at codon 1172 is replaced by methionine, an amino acid with highly similar properties. This change occurs in the first base pair of coding exon 36. This amino acid position is conserved. In addition, this alteration is predicted to be tolerated by in silico analysis. Based on the available evidence, the clinical significance of this variant remains unclear.